The following is an entry in ClinVar:

NM_138477.4(CDAN1):c.3310A>G (p.Arg1104Gly)

Gene: CDAN1 (codanin 1; minus strand). Cytogenetic location: 15q15.2.
Variant type: single nucleotide variant.
Coding change: c.3310A>G on transcript NM_138477.4 (MANE Select); coding-DNA position 3310, A replaced by G.
Protein change: p.Arg1104Gly; replaces arginine 1104 with glycine.
Molecular consequence: missense variant.
Genome position (GRCh38, 1-based): chr15:42,725,629, T>C on the plus strand (A>G on the coding strand, the complement: CDAN1 is on the minus strand). VCF-style: chr15-42725629-T-C. GRCh37 (hg19) VCF-style: chr15-43017827-T-C.
Other names: short protein forms R1104G.
Identifiers: ClinVar variation 1313066 (VCV001313066.2), dbSNP rs1202253745, ClinGen allele CA392028030.

ClinVar aggregate classification (germline): Uncertain significance (1 of 4 stars; one submission).

Allele frequency attached by ClinVar (database versions not stated): TOPMed below 0.00001; gnomAD 0.00003; gnomAD exomes below 0.00001.
gnomAD v4.1: 6 of 1,613,998 alleles (0.00037%); highest among the groups gnomAD compares: African/African-American, 0.004%; no homozygotes.

Submission:

GeneDx
Classification: Uncertain significance. Last evaluated: 2020-07-15. Review status: criteria provided, single submitter. Criteria: GeneDx Variant Classification Process June 2021. Collection method: clinical testing. Allele origin: germline. Affected: yes.
Comment: Not observed at a significant frequency in large population cohorts (Lek et al., 2016); In silico analysis supports that this missense variant does not alter protein structure/function; Has not been previously published as pathogenic or benign to our knowledge